The following is an entry in ClinVar:

NM_001231.5(CASQ1):c.577C>T (p.His193Tyr)

Gene: CASQ1 (calsequestrin 1; plus strand). Cytogenetic location: 1q23.2.
Variant type: single nucleotide variant.
Coding change: c.577C>T on transcript NM_001231.5 (MANE Select); coding-DNA position 577, C replaced by T.
Protein change: p.His193Tyr; replaces histidine 193 with tyrosine.
Molecular consequence: missense variant.
Genome position (GRCh38, 1-based): chr1:160,195,123, C>T. VCF-style: chr1-160195123-C-T. GRCh37 (hg19) VCF-style: chr1-160164913-C-T.
Other names: short protein forms H193Y.
Identifiers: ClinVar variation 1979196 (VCV001979196.4), dbSNP rs760302092, ClinGen allele CA1196235.

ClinVar aggregate classification (germline): Uncertain significance (1 of 4 stars; one submission).

Allele frequency attached by ClinVar (database versions not stated): gnomAD 0.00002; TOPMed 0.00002; ExAC 0.00003.

Submission:

Labcorp Genetics (formerly Invitae), Labcorp
Classification: Uncertain significance. Last evaluated: 2025-05-13. Review status: criteria provided, single submitter. Criteria: Invitae Variant Classification Sherloc (09022015). Collection method: clinical testing. Allele origin: germline.
Comment: This sequence change replaces histidine, which is basic and polar, with tyrosine, which is neutral and polar, at codon 193 of the CASQ1 protein (p.His193Tyr). This variant is present in population databases (rs760302092, gnomAD 0.02%). This variant has not been reported in the literature in individuals affected with CASQ1-related conditions. ClinVar contains an entry for this variant (Variation ID: 1979196). An algorithm developed to predict the effect of missense changes on protein structure and function (PolyPhen-2) suggests that this variant is likely to be tolerated. In summary, the available evidence is currently insufficient to determine the role of this variant in disease. Therefore, it has been classified as a Variant of Uncertain Significance.